The following is an entry in ClinVar:

NM_001253697.2(ERBIN):c.2908C>G (p.Gln970Glu)

Gene: ERBIN (erbb2 interacting protein; plus strand). Cytogenetic location: 5q12.3.
Variant type: single nucleotide variant.
Coding change: c.2908C>G on transcript NM_001253697.2 (MANE Select); coding-DNA position 2908, C replaced by G.
Protein change: p.Gln970Glu; replaces glutamine 970 with glutamic acid.
Molecular consequence: missense variant.
Genome position (GRCh38, 1-based): chr5:66,054,226, C>G. VCF-style: chr5-66054226-C-G. GRCh37 (hg19) VCF-style: chr5-65350054-C-G.
Other names: c.2908C>G, p.Gln970Glu (NM_001006600.3, NM_001253698.2, NM_001253699.2 and 1 more transcripts); c.2896C>G, p.Gln966Glu (NM_001253701.2); short protein forms Q966E, Q970E.
Identifiers: ClinVar variation 3686771 (VCV003686771.2).

ClinVar aggregate classification (germline): Uncertain significance (1 of 4 stars; one submission).

Submission:

Labcorp Genetics (formerly Invitae), Labcorp
Classification: Uncertain significance. Last evaluated: 2025-09-29. Review status: criteria provided, single submitter. Criteria: Invitae Variant Classification Sherloc (09022015). Collection method: clinical testing. Allele origin: germline.
Comment: This sequence change replaces glutamine, which is neutral and polar, with glutamic acid, which is acidic and polar, at codon 970 of the ERBIN protein (p.Gln970Glu). This variant is not present in population databases (gnomAD no frequency). This variant has not been reported in the literature in individuals affected with ERBIN-related conditions. ClinVar contains an entry for this variant (Variation ID: 3686771). An algorithm developed to predict the effect of missense changes on protein structure and function (PolyPhen-2) suggests that this variant is likely to be tolerated. In summary, the available evidence is currently insufficient to determine the role of this variant in disease. Therefore, it has been classified as a Variant of Uncertain Significance.